The following is an entry in ClinVar:

ClinVar aggregate classification (germline): Uncertain significance. Review status: criteria provided, single submitter (1 of 4 stars). 2 submissions from 2 submitters: Uncertain significance (1). 1 of the submissions does not count toward it. Last evaluated 2022-03-25.

Conditions:
Mucolipidosis type II. Also called: Mucolipidosis II Alpha/Beta; Mucolipidosis 2; ML 2; Inclusion cell disease; Leroy Disease; N-acetylglucosamine 1phosphotransferase deficiency. Identifiers: Orphanet 576, MedGen C2673377, MONDO:0009650, OMIM 252500.
Pseudo-Hurler polydystrophy. Also called: MUCOLIPIDOSIS IIIA; ML IIIA; Mucolipidosis III Alpha/Beta; Type III Mucolipidosis; ML III; ML III ALPHA/BETA. Identifiers: Orphanet 423461, Orphanet 577, MedGen C0033788, MONDO:0018931, OMIM 252600.

Allele frequency attached by ClinVar (database versions not stated): TOPMed below 0.00001; ExAC 0.00001; gnomAD 0.00002 and 0.00001; gnomAD exomes 0.00001.
gnomAD v4.1: 13 of 1,613,946 alleles (0.00081%); highest among the groups gnomAD compares: South Asian, 0.0099%; no homozygotes.

Submissions (2):

Labcorp Genetics (formerly Invitae), Labcorp
Classification: Uncertain significance for Pseudo-Hurler polydystrophy; Mucolipidosis type II. Last evaluated: 2022-03-25. Review status: criteria provided, single submitter. Criteria: Invitae Variant Classification Sherloc (09022015). Collection method: clinical testing. Allele origin: germline.
Comment: This sequence change replaces glutamic acid, which is acidic and polar, with lysine, which is basic and polar, at codon 650 of the GNPTAB protein (p.Glu650Lys). This variant is present in population databases (rs779572693, gnomAD 0.01%). This variant has not been reported in the literature in individuals affected with GNPTAB-related conditions. ClinVar contains an entry for this variant (Variation ID: 550573). Advanced modeling of protein sequence and biophysical properties (such as structural, functional, and spatial information, amino acid conservation, physicochemical variation, residue mobility, and thermodynamic stability) performed at Invitae indicates that this missense variant is not expected to disrupt GNPTAB protein function. In summary, the available evidence is currently insufficient to determine the role of this variant in disease. Therefore, it has been classified as a Variant of Uncertain Significance.

Counsyl
Classification: Uncertain significance for Mucolipidosis type II; Pseudo-Hurler polydystrophy. Last evaluated: 2017-02-01. Review status: no assertion criteria provided. Collection method: clinical testing. Allele origin: unknown. Not counted in ClinVar's aggregate classification.

NM_024312.5(GNPTAB):c.1948G>A (p.Glu650Lys)

Gene: GNPTAB (N-acetylglucosamine-1-phosphate transferase subunits alpha and beta; minus strand). Cytogenetic location: 12q23.2.
Variant type: single nucleotide variant.
Coding change: c.1948G>A on transcript NM_024312.5 (MANE Select); coding-DNA position 1948, G replaced by A.
Protein change: p.Glu650Lys; replaces glutamic acid 650 with lysine.
Molecular consequence: missense variant.
Genome position (GRCh38, 1-based): chr12:101,764,969, C>T on the plus strand (G>A on the coding strand, the complement: GNPTAB is on the minus strand). VCF-style: chr12-101764969-C-T. GRCh37 (hg19) VCF-style: chr12-102158747-C-T.
Other names: short protein forms E650K.
Identifiers: ClinVar variation 550573 (VCV000550573.4), dbSNP rs779572693, ClinGen allele CA6746501.